The following is an entry in ClinVar:

NM_000548.5(TSC2):c.610C>T (p.Leu204=)

Gene: TSC2 (TSC complex subunit 2; plus strand). Cytogenetic location: 16p13.3.
Variant type: single nucleotide variant.
Coding change: c.610C>T on transcript NM_000548.5 (MANE Select); coding-DNA position 610, C replaced by T.
Protein change: p.Leu204=; no amino-acid change (leucine 204 retained).
Molecular consequence: synonymous variant.
Genome position (GRCh38, 1-based): chr16:2,056,206, C>T. VCF-style: chr16-2056206-C-T. GRCh37 (hg19) VCF-style: chr16-2106207-C-T.
Other names: c.610C>T (NM_000548.3); c.610C>T, p.Leu204= (NM_001077183.3, NM_001114382.3, NM_001363528.2 and 3 more transcripts); c.499C>T, p.Leu167= (NM_001318827.2); c.463C>T, p.Leu155= (NM_001318829.2); c.10C>T, p.Leu4= (NM_001318831.2); c.643C>T, p.Leu215= (NM_001318832.2).
Identifiers: ClinVar variation 1654704 (VCV001654704.11), dbSNP rs1439997904, ClinGen allele CA492956284.
Genomic context (GRCh38, chr16:2,056,206, plus strand): 5'-CTCGGCCATCCAGGCAGTGCTGCCGGGACTGAGCTCGGTGCTCCCTGCAGGATGATCTGT[C>T]TGCTGTGCGTCCGGACCGCGTCCTCTGTGGACATAGAGGTCAGTGCCTCCCCTCCCCAGG-3'
Protein context (NP_000539.2, residues 194-214): YIARMVQMIC[Leu204=]LCVRTASSVD

ClinVar aggregate classification (germline): Benign/Likely benign. Review status: criteria provided, multiple submitters, no conflicts (2 of 4 stars). 4 submissions from 4 submitters: Benign (1); Likely benign (3). Last evaluated 2025-05-08.

Conditions:
Hereditary cancer-predisposing syndrome. Also called: Hereditary Cancer Syndrome; Neoplastic Syndromes, Hereditary; Hereditary neoplastic syndrome; Tumor predisposition. Identifiers: Orphanet 140162, MedGen C0027672, MeSH D009386, MONDO:0015356.
Tuberous sclerosis syndrome (TSC). Also called: Tuberous Sclerosis Complex; Tuberous sclerosis. Identifiers: Orphanet 805, MedGen C0041341, MONDO:0001734.
Tuberous sclerosis 2 (TSC2). Identifiers: Orphanet 805, MedGen C1860707, MONDO:0013199, OMIM 613254.

Allele frequency attached by ClinVar (database versions not stated): gnomAD exomes below 0.00001.
gnomAD v4.1: 1 of 1,614,036 alleles (0.000062%); highest among the groups gnomAD compares: Non-Finnish European, 0.000085%; no homozygotes.

Submissions (4):

Myriad Genetics, Inc.
Classification: Benign for Tuberous sclerosis 2. Last evaluated: 2025-05-08. Review status: criteria provided, single submitter. Criteria: Myriad Autosomal Dominant, Autosomal Recessive and X-Linked Classification Criteria (2023). Collection method: clinical testing. Allele origin: unknown.
Comment: This variant is considered benign. This variant is a silent/synonymous amino acid change and it is not expected to impact splicing.

Labcorp Genetics (formerly Invitae), Labcorp
Classification: Likely benign for Tuberous sclerosis 2. Last evaluated: 2024-11-06. Review status: criteria provided, single submitter. Criteria: Invitae Variant Classification Sherloc (09022015). Collection method: clinical testing. Allele origin: germline.

Ambry Genetics
Classification: Likely benign for Hereditary cancer-predisposing syndrome. Last evaluated: 2023-08-30. Review status: criteria provided, single submitter. Criteria: Ambry Variant Classification Scheme 2023. Collection method: clinical testing. Allele origin: germline.

All of Us Research Program, National Institutes of Health
Classification: Likely benign for Tuberous sclerosis syndrome. Last evaluated: 2023-06-26. Review status: criteria provided, single submitter. Criteria: ACMG Guidelines, 2015. Collection method: clinical testing. Allele origin: germline. Inheritance: Autosomal dominant inheritance. Observed: 1 variant allele, 1 heterozygote.
Comment: This study involves interpretation of variants in research participants for the purpose of population health screening. Participant phenotype was not available at the time of variant classification. Additional details can be found in publication PMID: 35346344, PMCID: PMC8962531